The following is an entry in ClinVar:

NM_000548.5(TSC2):c.4772A>G (p.Lys1591Arg)

Gene: TSC2 (TSC complex subunit 2; plus strand). Cytogenetic location: 16p13.3.
Variant type: single nucleotide variant.
Coding change: c.4772A>G on transcript NM_000548.5 (MANE Select); coding-DNA position 4772, A replaced by G.
Protein change: p.Lys1591Arg; replaces lysine 1591 with arginine.
Molecular consequence: missense variant.
Genome position (GRCh38, 1-based): chr16:2,086,302, A>G. VCF-style: chr16-2086302-A-G. GRCh37 (hg19) VCF-style: chr16-2136303-A-G.
Other names: c.4571A>G, p.Lys1524Arg (NM_001077183.3); c.4703A>G, p.Lys1568Arg (NM_001114382.3); c.4463A>G, p.Lys1488Arg (NM_001318827.2); c.4427A>G, p.Lys1476Arg (NM_001318829.2); c.4040A>G, p.Lys1347Arg (NM_001318831.2); c.4604A>G, p.Lys1535Arg (NM_001318832.2); c.4574A>G, p.Lys1525Arg (NM_001363528.2); c.4640A>G, p.Lys1547Arg (NM_001370404.1); and 1 more; short protein forms K1488R, K1548R, K1591R, K1568R, K1476R, K1524R, K1525R, K1547R.
Identifiers: ClinVar variation 825161 (VCV000825161.13), dbSNP rs1596439144, ClinGen allele CA394307896.

ClinVar aggregate classification (germline): Uncertain significance. Review status: criteria provided, multiple submitters, no conflicts (2 of 4 stars). 4 submissions from 4 submitters: Uncertain significance (4). Last evaluated 2025-07-14.

Conditions:
Isolated focal cortical dysplasia type II (FCORD2). Also called: CORTICAL DYSPLASIA OF TAYLOR; Focal cortical dysplasia type II. Identifiers: Orphanet 268994, MedGen C1846385, MONDO:0011818, OMIM 607341, HP:0032051.
Lymphangiomyomatosis (LAM). Also called: Lymphangioleiomyomatosis, somatic; Lymphangioleiomyomatosis. Identifiers: Orphanet 538, MedGen C0751674, MONDO:0011705, OMIM 606690.
Tuberous sclerosis 2 (TSC2). Identifiers: Orphanet 805, MedGen C1860707, MONDO:0013199, OMIM 613254.
Hereditary cancer-predisposing syndrome. Also called: Neoplastic Syndromes, Hereditary; Hereditary Cancer Syndrome; Hereditary neoplastic syndrome; Tumor predisposition. Identifiers: Orphanet 140162, MedGen C0027672, MeSH D009386, MONDO:0015356.

Submissions (4):

Labcorp Genetics (formerly Invitae), Labcorp
Classification: Uncertain significance for Tuberous sclerosis 2. Last evaluated: 2025-07-14. Review status: criteria provided, single submitter. Criteria: Invitae Variant Classification Sherloc (09022015). Collection method: clinical testing. Allele origin: germline.
Comment: This sequence change replaces lysine, which is basic and polar, with arginine, which is basic and polar, at codon 1591 of the TSC2 protein (p.Lys1591Arg). This variant is not present in population databases (gnomAD no frequency). This variant has not been reported in the literature in individuals affected with TSC2-related conditions. ClinVar contains an entry for this variant (Variation ID: 825161). Invitae Evidence Modeling of protein sequence and biophysical properties (such as structural, functional, and spatial information, amino acid conservation, physicochemical variation, residue mobility, and thermodynamic stability) indicates that this missense variant is not expected to disrupt TSC2 protein function with a negative predictive value of 95%. In summary, the available evidence is currently insufficient to determine the role of this variant in disease. Therefore, it has been classified as a Variant of Uncertain Significance.

Ambry Genetics
Classification: Uncertain significance for Hereditary cancer-predisposing syndrome. Last evaluated: 2024-08-26. Review status: criteria provided, single submitter. Criteria: Ambry Variant Classification Scheme 2023. Collection method: clinical testing. Allele origin: germline.
Comment: The p.K1591R variant (also known as c.4772A>G), located in coding exon 36 of the TSC2 gene, results from an A to G substitution at nucleotide position 4772. The lysine at codon 1591 is replaced by arginine, an amino acid with highly similar properties. This amino acid position is not well conserved in available vertebrate species. In addition, this alteration is predicted to be deleterious by in silico analysis. Based on the available evidence, the clinical significance of this variant remains unclear.

Fulgent Genetics
Classification: Uncertain significance for Lymphangiomyomatosis; Isolated focal cortical dysplasia type II; Tuberous sclerosis 2. Last evaluated: 2024-01-30. Review status: criteria provided, single submitter. Criteria: ACMG Guidelines, 2015. Collection method: clinical testing. Allele origin: germline.

Baylor Genetics
Classification: Uncertain significance for Isolated focal cortical dysplasia type II. Last evaluated: 2023-09-25. Review status: criteria provided, single submitter. Criteria: ACMG Guidelines, 2015. Collection method: clinical testing. Allele origin: unknown.